The following is an entry in ClinVar:

NC_012920.1(MT-CO3):m.9467T>C

Gene: MT-CO3 (mitochondrially encoded cytochrome c oxidase III; plus strand).
Variant type: single nucleotide variant.
Genome position: chrM-9467-T-C.
Identifiers: ClinVar variation 235458 (VCV000235458.3), dbSNP rs878853040, ClinGen allele CA10581317.

ClinVar aggregate classification (germline): Likely benign (1 of 4 stars; one submission).

Submission:

Center for Pediatric Genomic Medicine, Children's Mercy Hospital and Clinics
Classification: Likely benign. Last evaluated: 2015-08-12. Review status: criteria provided, single submitter. Criteria: ACMG Guidelines, 2015. Collection method: clinical testing. Allele origin: germline.
ClinVar note: Converted during submission from Likely Benign to Likely benign.